The following is an entry in ClinVar:

ClinVar aggregate classification (germline): Conflicting classifications of pathogenicity. Review status: criteria provided, conflicting classifications (1 of 4 stars). 6 submissions from 6 submitters: Uncertain significance (2); Likely benign (3). 1 of the submissions does not count toward it. Last evaluated 2026-05-18.

Conditions:
DNAH5-related disorder. Also called: DNAH5-related condition.
Primary ciliary dyskinesia. Also called: Ciliary dyskinesia. Identifiers: Orphanet 244, MedGen C0008780, MONDO:0016575, HP:0012265.
Primary ciliary dyskinesia 3. Identifiers: Orphanet 244, MedGen C1837618, MONDO:0012085, OMIM 608644.

Allele frequency attached by ClinVar (database versions not stated): gnomAD exomes 0.00023; 1000 Genomes Project 0.00040; 1000 Genomes Project 30x 0.00047; gnomAD 0.00011 and 0.00012; TOPMed 0.00011; ESP Exome Variant Server 0.00015; ExAC 0.00021.
gnomAD v4.1: 438 of 1,613,772 alleles (0.027%); highest among the groups gnomAD compares: East Asian, 0.091%; no homozygotes.

Submissions (6):

PreventionGenetics, part of Exact Sciences
Classification: Likely benign for DNAH5-related condition. Last evaluated: 2026-05-18. Review status: criteria provided, single submitter. Criteria: ACMG Guidelines, 2015. Collection method: clinical testing. Allele origin: germline.
Comment: This variant is classified as likely benign based on ACMG/AMP sequence variant interpretation guidelines (Richards et al. 2015 PMID: 25741868, with internal and published modifications).

Labcorp Genetics (formerly Invitae), Labcorp
Classification: Likely benign for Primary ciliary dyskinesia. Last evaluated: 2025-12-29. Review status: criteria provided, single submitter. Criteria: Invitae Variant Classification Sherloc (09022015). Collection method: clinical testing. Allele origin: germline.

Ambry Genetics
Classification: Likely benign for Primary ciliary dyskinesia. Last evaluated: 2023-04-21. Review status: criteria provided, single submitter. Criteria: Ambry Variant Classification Scheme 2023. Collection method: clinical testing. Allele origin: germline.

UNC Molecular Genetics  Laboratory, University of North Carolina at Chapel Hill
Classification: Uncertain significance for Primary ciliary dyskinesia. Last evaluated: 2021-10-26. Review status: criteria provided, single submitter. Criteria: ACMG Guidelines, 2015. Collection method: clinical testing. Allele origin: germline. Observed: 1 heterozygote.

Illumina Laboratory Services, Illumina
Classification: Uncertain significance for Primary ciliary dyskinesia 3. Last evaluated: 2018-01-12. Review status: criteria provided, single submitter. Criteria: ICSL Variant Classification Criteria 13 December 2019. Collection method: clinical testing. Allele origin: germline.

Natera, Inc.
Classification: Uncertain significance for Primary ciliary dyskinesia. Last evaluated: 2020-02-13. Review status: no assertion criteria provided. Collection method: clinical testing. Allele origin: germline. Not counted in ClinVar's aggregate classification.

NM_001369.3(DNAH5):c.3733C>T (p.Arg1245Cys)

Genes: DNAH5 (dynein axonemal heavy chain 5; minus strand), DNAH5-AS1 (DNAH5 antisense RNA 1; plus strand). Cytogenetic location: 5p15.2.
Variant type: single nucleotide variant.
Coding change: c.3733C>T on transcript NM_001369.3 (MANE Select); coding-DNA position 3733, C replaced by T.
Protein change: p.Arg1245Cys; replaces arginine 1245 with cysteine.
Molecular consequence: missense variant.
Genome position (GRCh38, 1-based): chr5:13,870,868, G>A on the plus strand (C>T on the coding strand, the complement: DNAH5 is on the minus strand). VCF-style: chr5-13870868-G-A. GRCh37 (hg19) VCF-style: chr5-13870977-G-A.
Other names: short protein forms R1245C.
Identifiers: ClinVar variation 351189 (VCV000351189.22), dbSNP rs149609746, ClinGen allele CA3204189.